The following is an entry in ClinVar:

ClinVar aggregate classification (germline): Conflicting classifications of pathogenicity. Review status: criteria provided, conflicting classifications (1 of 4 stars). 11 submissions from 11 submitters: Uncertain significance (1); Benign (1); Likely benign (5). 4 of the submissions do not count toward it. Last evaluated 2026-06-01.

Conditions:
EVC-related disorder. Also called: EVC-related condition; EVC-related disorders.
Ellis-van Creveld syndrome (EVC). Also called: Chondroectodermal dysplasia; MESOECTODERMAL DYSPLASIA. Identifiers: Orphanet 289, MedGen C0013903, MONDO:0009162, OMIM 225500.
Curry-Hall syndrome (WAD). Also called: WEYERS ACRODENTAL DYSOSTOSIS. Identifiers: Orphanet 952, MedGen C0457013, MONDO:0008673, OMIM 193530.

Allele frequency attached by ClinVar (database versions not stated): 1000 Genomes Project 0.00060; 1000 Genomes Project 30x 0.00062; gnomAD 0.00171 and 0.00176; TOPMed 0.00201; ESP Exome Variant Server 0.00238.
gnomAD v4.1: 4,299 of 1,613,798 alleles (0.27%); highest among the groups gnomAD compares: Non-Finnish European, 0.32%; 16 homozygotes.

Submissions (11):

Women's Health and Genetics/Laboratory Corporation of America, LabCorp
Classification: Uncertain significance. Last evaluated: 2026-06-01. Review status: criteria provided, single submitter. Criteria: LabCorp Variant Classification Summary - May 2015. Collection method: clinical testing. Allele origin: germline.
Comment: Variant summary: EVC c.934G>A (p.Asp312Asn) results in a conservative amino acid change in the encoded protein sequence. Algorithms developed to predict the effect of missense changes on protein structure and function all suggest that this variant is likely to be tolerated. The variant allele was found at a frequency of 0.0027 in 1613798 control chromosomes in the gnomAD v4 database, including 16 homozygotes. This frequency is not significantly higher than estimated for disease-causing variants in EVC, allowing no conclusion about variant significance. To our knowledge, no occurrence of c.934G>A in individuals affected with EVC-related conditions and no experimental evidence demonstrating its impact on protein function have been reported. ClinVar contains an entry for this variant (Variation ID: 349168). Based on the evidence outlined above, the variant was classified as uncertain significance.

CeGaT Center for Human Genetics Tuebingen
Classification: Likely benign. Last evaluated: 2026-02-01. Review status: criteria provided, single submitter. Criteria: CeGaT Center For Human Genetics Tuebingen Variant Classification Criteria Version 2. Collection method: clinical testing. Allele origin: germline. Affected: yes. Observed: 2 variant alleles.
Comment: EVC: BP4, BS2

Labcorp Genetics (formerly Invitae), Labcorp
Classification: Benign for Curry-Hall syndrome; Ellis-van Creveld syndrome. Last evaluated: 2026-01-28. Review status: criteria provided, single submitter. Criteria: Invitae Variant Classification Sherloc (09022015). Collection method: clinical testing. Allele origin: germline.

ARUP Laboratories, Molecular Genetics and Genomics, ARUP Laboratories
Classification: Likely benign. Last evaluated: 2025-02-18. Review status: criteria provided, single submitter. Criteria: ARUP Molecular Germline Variant Investigation Process 2024. Collection method: clinical testing. Allele origin: germline.

Blueprint Genetics
Classification: Likely benign. Last evaluated: 2024-11-21. Review status: criteria provided, single submitter. Criteria: ACMG Guidelines, 2015. Collection method: clinical testing. Allele origin: germline.

Department of Pathology and Laboratory Medicine, Sinai Health System
Classification: Likely benign for Curry-Hall syndrome; Ellis-van Creveld syndrome. Last evaluated: 2021-07-30. Review status: criteria provided, single submitter. Criteria: ACMG Guidelines, 2015. Collection method: research. Allele origin: germline.

Illumina Laboratory Services, Illumina
Classification: Likely benign for Ellis-van Creveld syndrome. Last evaluated: 2018-01-12. Review status: criteria provided, single submitter. Criteria: ICSL Variant Classification Criteria 13 December 2019. Collection method: clinical testing. Allele origin: germline.
Comment: This variant was observed in the ICSL laboratory as part of a predisposition screen in an ostensibly healthy population. It had not been previously curated by ICSL or reported in the Human Gene Mutation Database (HGMD: prior to June 1st, 2018), and was therefore a candidate for classification through an automated scoring system. Utilizing variant allele frequency, disease prevalence and penetrance estimates, and inheritance mode, an automated score was calculated to assess if this variant is too frequent to cause the disease. Based on the score and internal cut-off values, a variant classified as likely benign is not then subjected to further curation. The score for this variant resulted in a classification of likely benign for this disease.

PreventionGenetics, part of Exact Sciences
Classification: Likely benign for EVC-related condition. Last evaluated: 2022-05-06. Review status: no assertion criteria provided. Collection method: clinical testing. Allele origin: germline. Not counted in ClinVar's aggregate classification.
Comment: This variant is classified as likely benign based on ACMG/AMP sequence variant interpretation guidelines (Richards et al. 2015 PMID: 25741868, with internal and published modifications).

Natera, Inc.
Classification: Uncertain significance for Ellis-van Creveld syndrome. Last evaluated: 2020-01-02. Review status: no assertion criteria provided. Collection method: clinical testing. Allele origin: germline. Not counted in ClinVar's aggregate classification.

Clinical Genetics DNA and cytogenetics Diagnostics Lab, Erasmus MC, Erasmus Medical Center
Classification: Likely benign. Review status: no assertion criteria provided. Collection method: clinical testing. Allele origin: germline. Affected: yes. Study: VKGL Data-share Consensus. Not counted in ClinVar's aggregate classification.

Genome Diagnostics Laboratory, University Medical Center Utrecht
Classification: Benign. Review status: no assertion criteria provided. Collection method: clinical testing. Allele origin: germline. Affected: yes. Study: VKGL Data-share Consensus. Not counted in ClinVar's aggregate classification.

NM_153717.3(EVC):c.934G>A (p.Asp312Asn)

Gene: EVC (EvC ciliary complex subunit 1; plus strand). Cytogenetic location: 4p16.2.
Variant type: single nucleotide variant.
Coding change: c.934G>A on transcript NM_153717.3 (MANE Select); coding-DNA position 934, G replaced by A.
Protein change: p.Asp312Asn; replaces aspartic acid 312 with asparagine.
Molecular consequence: missense variant.
Genome position (GRCh38, 1-based): chr4:5,745,336, G>A. VCF-style: chr4-5745336-G-A. GRCh37 (hg19) VCF-style: chr4-5747063-G-A.
Other names: c.934G>A, p.Asp312Asn (NM_001306090.2, NM_001306092.2); short protein forms D312N.
Identifiers: ClinVar variation 349168 (VCV000349168.54), dbSNP rs115275195, ClinGen allele CA2835913.